The following is an entry in ClinVar:

NM_000093.5(COL5A1):c.924+13C>T

Gene: COL5A1 (collagen type V alpha 1 chain; plus strand). Cytogenetic location: 9q34.3.
Variant type: single nucleotide variant.
Coding change: c.924+13C>T on transcript NM_000093.5 (MANE Select); 13 bases into the intron after coding-DNA position 924, C replaced by T.
Molecular consequence: intron variant.
Genome position (GRCh38, 1-based): chr9:134,728,820, C>T. VCF-style: chr9-134728820-C-T. GRCh37 (hg19) VCF-style: chr9-137620666-C-T.
Other names: c.924+13C>T (NM_001278074.1).
Identifiers: ClinVar variation 212922 (VCV000212922.15), dbSNP rs199836060, ClinGen allele CA323212.

ClinVar aggregate classification (germline): Benign/Likely benign. Review status: criteria provided, multiple submitters, no conflicts (2 of 4 stars). 6 submissions from 6 submitters: Benign (4); Likely benign (2). Last evaluated 2026-01-26.

Conditions:
Ehlers-Danlos syndrome, classic type, 1 (EDSCL1). Also called: EHLERS-DANLOS SYNDROME, GRAVIS TYPE; EHLERS-DANLOS SYNDROME, SEVERE CLASSIC TYPE; Ehlers-Danlos syndrome, type 1; Ehlers-Danlos Syndrome, Classic Type, COL5A1-Related; EDS I. Identifiers: MedGen C0268335, MONDO:0019567, OMIM 130000.
Connective tissue disorder. Also called: Connective tissue disease. Identifiers: MedGen C0009782, MONDO:0003900.

Allele frequency attached by ClinVar (database versions not stated): gnomAD exomes 0.00053; TOPMed 0.00084; ESP Exome Variant Server 0.00092; gnomAD 0.00098 and 0.00106; 1000 Genomes Project 30x 0.00031; 1000 Genomes Project 0.00040; ExAC 0.00046.
gnomAD v4.1: 550 of 1,613,882 alleles (0.034%); highest among the groups gnomAD compares: African/African-American, 0.22%; 3 homozygotes.

Submissions (6):

Labcorp Genetics (formerly Invitae), Labcorp
Classification: Benign for Ehlers-Danlos syndrome, classic type, 1. Last evaluated: 2026-01-26. Review status: criteria provided, single submitter. Criteria: Invitae Variant Classification Sherloc (09022015). Collection method: clinical testing. Allele origin: germline.

Blueprint Genetics
Classification: Likely benign. Last evaluated: 2024-11-11. Review status: criteria provided, single submitter. Criteria: ACMG Guidelines, 2015. Collection method: clinical testing. Allele origin: germline.

ARUP Laboratories, Molecular Genetics and Genomics, ARUP Laboratories
Classification: Benign. Last evaluated: 2024-10-10. Review status: criteria provided, single submitter. Criteria: ARUP Molecular Germline Variant Investigation Process 2024. Collection method: clinical testing. Allele origin: germline.

Women's Health and Genetics/Laboratory Corporation of America, LabCorp
Classification: Benign. Last evaluated: 2023-10-19. Review status: criteria provided, single submitter. Criteria: LabCorp Variant Classification Summary - May 2015. Collection method: clinical testing. Allele origin: germline.

Center for Human Genetics, Inc
Classification: Likely benign for Connective tissue disorder. Last evaluated: 2016-11-01. Review status: criteria provided, single submitter. Criteria: ACMG Guidelines, 2015. Collection method: clinical testing. Allele origin: germline. Affected: yes.

GeneDx
Classification: Benign. Last evaluated: 2014-12-11. Review status: criteria provided, single submitter. Criteria: GeneDx Variant Classification (06012015). Collection method: clinical testing. Allele origin: germline. Affected: yes.
Comment: This variant is considered likely benign or benign based on one or more of the following criteria: it is a conservative change, it occurs at a poorly conserved position in the protein, it is predicted to be benign by multiple in silico algorithms, and/or has population frequency not consistent with disease.